The following is an entry in ClinVar:

ClinVar aggregate classification (germline): Uncertain significance (1 of 4 stars; one submission).

Conditions:
Autoimmune lymphoproliferative syndrome type 2A (ALPS2A). Also called: CASP10-Related Autoimmune Lymphoproliferative Syndrome; AUTOIMMUNE LYMPHOPROLIFERATIVE SYNDROME, TYPE IIA; Autoimmune lymphoproliferative syndrome type 2. Identifiers: Orphanet 3261, MedGen C1858968, MONDO:0011383, OMIM 603909.

gnomAD v4.1: 1 of 1,613,500 alleles (0.000062%); highest among the groups gnomAD compares: East Asian, 0.0022%; no homozygotes.

Submission:

Labcorp Genetics (formerly Invitae), Labcorp
Classification: Uncertain significance for Autoimmune lymphoproliferative syndrome type 2A. Last evaluated: 2025-11-02. Review status: criteria provided, single submitter. Criteria: Invitae Variant Classification Sherloc (09022015). Collection method: clinical testing. Allele origin: germline.
Comment: This sequence change affects codon 255 of the CASP10 mRNA. It is a 'silent' change, meaning that it does not change the encoded amino acid sequence of the CASP10 protein. This variant is not present in population databases (gnomAD no frequency). This variant has not been reported in the literature in individuals affected with CASP10-related conditions. Algorithms developed to predict the effect of sequence changes on RNA splicing suggest that this variant may disrupt the consensus splice site. In summary, the available evidence is currently insufficient to determine the role of this variant in disease. Therefore, it has been classified as a Variant of Uncertain Significance.

NM_032977.4(CASP10):c.765G>T (p.Gly255=)

Gene: CASP10 (caspase 10; plus strand). Cytogenetic location: 2q33.1.
Variant type: single nucleotide variant.
Coding change: c.765G>T on transcript NM_032977.4 (MANE Select); coding-DNA position 765, G replaced by T.
Protein change: p.Gly255=; no amino-acid change (glycine 255 retained).
Molecular consequence: synonymous variant. On other transcripts: intron variant (4).
Genome position (GRCh38, 1-based): chr2:201,205,925, G>T. VCF-style: chr2-201205925-G-T. GRCh37 (hg19) VCF-style: chr2-202070648-G-T.
Other names: c.765G>T, p.Gly255= (NM_032974.5); c.685-2150G>T (NM_001206542.2, NM_001230.5); c.722-2150G>T (NM_032976.4); c.721+2159G>T (NM_001206524.2).
Identifiers: ClinVar variation 4795033 (VCV004795033.1).